The following is an entry in ClinVar:

NM_003921.5(BCL10):c.346+6A>G

Gene: BCL10 (BCL10 immune signaling adaptor; minus strand). Cytogenetic location: 1p22.3.
Variant type: single nucleotide variant.
Coding change: c.346+6A>G on transcript NM_003921.5 (MANE Select); 6 bases into the intron after coding-DNA position 346, A replaced by G.
Molecular consequence: intron variant.
Genome position (GRCh38, 1-based): chr1:85,270,612, T>C on the plus strand (A>G on the coding strand, the complement: BCL10 is on the minus strand). VCF-style: chr1-85270612-T-C. GRCh37 (hg19) VCF-style: chr1-85736295-T-C.
Other names: c.346+6A>G (LRG_1210t1, NM_001320715.2).
Identifiers: ClinVar variation 475273 (VCV000475273.14), dbSNP rs112473614, ClinGen allele CA929776.

ClinVar aggregate classification (germline): Likely benign. Review status: criteria provided, single submitter (1 of 4 stars). 2 submissions from 2 submitters: Likely benign (1). 1 of the submissions does not count toward it. Last evaluated 2026-01-15.

Conditions:
Immunodeficiency 37 (IMD37). Identifiers: MedGen C4015195, MONDO:0014491, OMIM 616098.
BCL10-related disorder. Also called: BCL10-related condition.

Allele frequency attached by ClinVar (database versions not stated): gnomAD exomes 0.00034; ExAC 0.00045; 1000 Genomes Project 30x 0.00078; 1000 Genomes Project 0.00080; ESP Exome Variant Server 0.00108; gnomAD 0.00126 and 0.00138; TOPMed 0.00140.
gnomAD v4.1: 417 of 1,588,398 alleles (0.026%); highest among the groups gnomAD compares: African/African-American, 0.49%; 3 homozygotes.

Submissions (2):

Labcorp Genetics (formerly Invitae), Labcorp
Classification: Likely benign for Immunodeficiency 37. Last evaluated: 2026-01-15. Review status: criteria provided, single submitter. Criteria: Invitae Variant Classification Sherloc (09022015). Collection method: clinical testing. Allele origin: germline.

PreventionGenetics, part of Exact Sciences
Classification: Likely benign for BCL10-related condition. Last evaluated: 2023-06-07. Review status: no assertion criteria provided. Collection method: clinical testing. Allele origin: germline. Not counted in ClinVar's aggregate classification.
Comment: This variant is classified as likely benign based on ACMG/AMP sequence variant interpretation guidelines (Richards et al. 2015 PMID: 25741868, with internal and published modifications).